The following is an entry in ClinVar:

ClinVar aggregate classification (germline): Uncertain significance (1 of 4 stars; one submission).

Allele frequency attached by ClinVar (database versions not stated): gnomAD exomes 0.00001; gnomAD 0.00001; TOPMed 0.00001; ExAC 0.00001.
gnomAD v4.1: 19 of 1,613,160 alleles (0.0012%); highest among the groups gnomAD compares: African/African-American, 0.004%; no homozygotes.

Submission:

Labcorp Genetics (formerly Invitae), Labcorp
Classification: Uncertain significance. Last evaluated: 2022-07-12. Review status: criteria provided, single submitter. Criteria: Invitae Variant Classification Sherloc (09022015). Collection method: clinical testing. Allele origin: germline.
Comment: This sequence change affects codon 1540 of the TTC37 mRNA. It is a 'silent' change, meaning that it does not change the encoded amino acid sequence of the TTC37 protein. It affects a nucleotide within the consensus splice site. This variant is present in population databases (rs781261383, gnomAD 0.004%). This variant has not been reported in the literature in individuals affected with TTC37-related conditions. ClinVar contains an entry for this variant (Variation ID: 1478946). Algorithms developed to predict the effect of sequence changes on RNA splicing suggest that this variant is not likely to affect RNA splicing. In summary, the available evidence is currently insufficient to determine the role of this variant in disease. Therefore, it has been classified as a Variant of Uncertain Significance.

NM_014639.4(SKIC3):c.4620C>T (p.Asp1540=)

Gene: SKIC3 (SKI3 subunit of superkiller complex; minus strand). Cytogenetic location: 5q15.
Variant type: single nucleotide variant.
Coding change: c.4620C>T on transcript NM_014639.4 (MANE Select); coding-DNA position 4620, C replaced by T.
Protein change: p.Asp1540=; no amino-acid change (aspartic acid 1540 retained).
Molecular consequence: synonymous variant.
Genome position (GRCh38, 1-based): chr5:95,467,866, G>A on the plus strand (C>T on the coding strand, the complement: SKIC3 is on the minus strand). VCF-style: chr5-95467866-G-A. GRCh37 (hg19) VCF-style: chr5-94803570-G-A.
Identifiers: ClinVar variation 1478946 (VCV001478946.5), dbSNP rs781261383, ClinGen allele CA3346342.